The following is an entry in ClinVar:

NM_004114.5(FGF13):c.482G>A (p.Arg161His)

Gene: FGF13 (fibroblast growth factor 13; minus strand). Cytogenetic location: Xq26.3.
Variant type: single nucleotide variant.
Coding change: c.482G>A on transcript NM_004114.5 (MANE Select); coding-DNA position 482, G replaced by A.
Protein change: p.Arg161His; replaces arginine 161 with histidine.
Molecular consequence: missense variant.
Genome position (GRCh38, 1-based): chrX:138,635,576, C>T on the plus strand (G>A on the coding strand, the complement: FGF13 is on the minus strand). VCF-style: chrX-138635576-C-T. GRCh37 (hg19) VCF-style: chrX-137717737-C-T.
Other names: c.344G>A, p.Arg115His (NM_001139498.2); c.512G>A, p.Arg171His (NM_001139500.2); c.425G>A, p.Arg142His (NM_001139501.2, NM_001139502.2); c.323G>A, p.Arg108His (NM_033642.3); short protein forms R108H, R115H, R142H, R161H, R171H.
Identifiers: ClinVar variation 3383366 (VCV003383366.1).
Genomic context (GRCh38, chrX:138,635,576, plus strand): 5'-TTCATGATCTCTCCTTCTTTGTTCAGACCCAGATACCACCCTCGGCCTGACTGCTGCTGA[C>T]GGTATATCATTGATGAATATGTCACATAATAATTTTCAAACACTGATTCTTTGAATTTGC-3'
Protein context (NP_004105.1, residues 151-171): YYVTYSSMIY[Arg161His]QQQSGRGWYL

ClinVar aggregate classification (germline): Uncertain significance (1 of 4 stars; one submission).

Conditions:
Developmental and epileptic encephalopathy, 90. Identifiers: MedGen C5542345, MONDO:0025353, OMIM 301058.

gnomAD v4.1: 8 of 1,206,960 alleles (0.00066%); highest among the groups gnomAD compares: Admixed American, 0.0022%; no homozygotes.

Submission:

Diagnostics Services (NGS), CSIR - Centre For Cellular And Molecular Biology
Classification: Uncertain significance for Developmental and epileptic encephalopathy, 90. Last evaluated: 2024-11-29. Review status: criteria provided, single submitter. Criteria: ACMG Guidelines, 2015. Collection method: clinical testing. Allele origin: unknown. Affected: yes. Observed: 1 variant allele, 1 heterozygote.
Comment: The c.482G>A variant is not present in publicly available population databases like 1000 Genomes, ExAC, EVS, Indian Exome Database and our internal database. This variant is present in gnomAD, at a low frequency. This variant has neither been published in literature in individuals affected with FGF13-related conditions nor reported to the clinical databases like ClinVar, Human Genome Mutation Database (HGMD) or OMIM, in any affected individuals. In-silico pathogenicity prediction programs like SIFT, PolyPhen-2, MutationTaster2, CADD etc predicted this variant to be likely deleterious however these predictions were not confirmed by published functional studies.